The following is an entry in ClinVar:

NM_001903.5(CTNNA1):c.1389+10A>C

Gene: CTNNA1 (catenin alpha 1; plus strand). Cytogenetic location: 5q31.2.
Variant type: single nucleotide variant.
Coding change: c.1389+10A>C on transcript NM_001903.5 (MANE Select); 10 bases into the intron after coding-DNA position 1389, A replaced by C.
Molecular consequence: intron variant.
Genome position (GRCh38, 1-based): chr5:138,904,451, A>C. VCF-style: chr5-138904451-A-C. GRCh37 (hg19) VCF-style: chr5-138240140-A-C.
Other names: c.-60-13291A>C (NM_001324010.1); c.36+10A>C (NM_001324012.1, NM_001324013.1); c.1389+10A>C (NM_001323982.2, NM_001323984.2, NM_001290307.3 and 2 more transcripts); c.1297-13291A>C (NM_001323986.2); c.1020+10A>C (NM_001290310.3); c.1080+10A>C (NM_001290309.3); c.279+10A>C (NM_001323996.1, NM_001323993.1, NM_001324005.1 and 17 more transcripts); c.-119+10A>C (NM_001324007.1, NM_001324009.1, NM_001324006.1 and 1 more transcripts); and 1 more.
Identifiers: ClinVar variation 1147538 (VCV001147538.10), dbSNP rs1051113761, ClinGen allele CA804582877.

ClinVar aggregate classification (germline): Likely benign. Review status: criteria provided, multiple submitters, no conflicts (2 of 4 stars). 2 submissions from 2 submitters: Likely benign (2). Last evaluated 2025-08-11.

Conditions:
Hereditary diffuse gastric adenocarcinoma (HDGC). Also called: DIFFUSE GASTRIC AND LOBULAR BREAST CANCER SYNDROME. Identifiers: Orphanet 26106, MedGen C1708349, MONDO:0007648, OMIM 137215.

Allele frequency attached by ClinVar (database versions not stated): TOPMed below 0.00001; gnomAD 0.00001.
gnomAD v4.1: 1 of 1,611,440 alleles (0.000062%); highest among the groups gnomAD compares: African/African-American, 0.0013%; no homozygotes.

Submissions (2):

Labcorp Genetics (formerly Invitae), Labcorp
Classification: Likely benign. Last evaluated: 2025-08-11. Review status: criteria provided, single submitter. Criteria: Invitae Variant Classification Sherloc (09022015). Collection method: clinical testing. Allele origin: germline.

Myriad Genetics, Inc.
Classification: Likely benign for Hereditary diffuse gastric adenocarcinoma. Last evaluated: 2024-10-11. Review status: criteria provided, single submitter. Criteria: Myriad Autosomal Dominant, Autosomal Recessive and X-Linked Classification Criteria (2023). Collection method: clinical testing. Allele origin: unknown.
Comment: This variant is considered likely benign. This variant is intronic and is not expected to impact mRNA splicing.